The following is an entry in ClinVar:

NM_024675.4(PALB2):c.82T>C (p.Tyr28His)

Gene: PALB2 (partner and localizer of BRCA2; minus strand). Cytogenetic location: 16p12.2.
Variant type: single nucleotide variant.
Coding change: c.82T>C on transcript NM_024675.4 (MANE Select); coding-DNA position 82, T replaced by C.
Protein change: p.Tyr28His; replaces tyrosine 28 with histidine.
Molecular consequence: missense variant. On other transcripts: 5 prime UTR variant (8), intron variant (4).
Genome position (GRCh38, 1-based): chr16:23,638,096, A>G on the plus strand (T>C on the coding strand, the complement: PALB2 is on the minus strand). VCF-style: chr16-23638096-A-G. GRCh37 (hg19) VCF-style: chr16-23649417-A-G.
Other names: c.82T>C, p.Tyr28His (NM_001407297.1, NM_001407298.1, NM_001407299.1 and 3 more transcripts); c.-804T>C (NM_001407304.1, NM_001407305.1, NM_001407306.1 and 5 more transcripts); c.48+3014T>C (NM_001407314.1); c.-105+3014T>C (NM_001407313.1, NM_001407312.1); c.49-144T>C (NM_001407296.1); short protein forms Y28H.
Identifiers: ClinVar variation 3360863 (VCV003360863.3).
Genomic context (GRCh38, chr16:23,638,096, plus strand): 5'-ATAACACCTTAATTTGAGAATACGATTCACTTACCTGAAGGCGGGCTAGTGTCTTGCTGT[A>G]TTCCCTTTTCAAGAATGCTAATTTCTCCTTTAACTGGAAGAAGAAAAACACCAACAATAC-3'
Protein context (NP_078951.2, residues 18-38): KEKLAFLKRE[Tyr28His]SKTLARLQRA

ClinVar aggregate classification (germline): Uncertain significance. Review status: criteria provided, multiple submitters, no conflicts (2 of 4 stars). 2 submissions from 2 submitters: Uncertain significance (2). Last evaluated 2024-11-25.

Conditions:
Familial cancer of breast. Also called: BREAST CANCER, FAMILIAL; hereditary breast carcinoma; Hereditary breast cancer. Identifiers: Orphanet 227535, MedGen C0346153, MONDO:0016419, OMIM 114480. Disease mechanism: loss of function.

Submissions (2):

Labcorp Genetics (formerly Invitae), Labcorp
Classification: Uncertain significance for Familial cancer of breast. Last evaluated: 2024-11-25. Review status: criteria provided, single submitter. Criteria: Invitae Variant Classification Sherloc (09022015). Collection method: clinical testing. Allele origin: germline.
Comment: This sequence change replaces tyrosine, which is neutral and polar, with histidine, which is basic and polar, at codon 28 of the PALB2 protein (p.Tyr28His). This variant is not present in population databases (gnomAD no frequency). This variant has not been reported in the literature in individuals affected with PALB2-related conditions. An algorithm developed to predict the effect of missense changes on protein structure and function (PolyPhen-2) suggests that this variant is likely to be disruptive. In summary, the available evidence is currently insufficient to determine the role of this variant in disease. Therefore, it has been classified as a Variant of Uncertain Significance.

GeneDx
Classification: Uncertain significance. Last evaluated: 2023-07-07. Review status: criteria provided, single submitter. Criteria: GeneDx Variant Classification Process June 2021. Collection method: clinical testing. Allele origin: germline. Affected: yes.
Comment: Not observed at significant frequency in large population cohorts (gnomAD); In silico analysis supports that this missense variant has a deleterious effect on protein structure/function; Has not been previously published as pathogenic or benign to our knowledge; This variant is associated with the following publications: (PMID: 20871615, 19369211)